The following is an entry in ClinVar:

ClinVar aggregate classification (germline): Benign. Review status: criteria provided, multiple submitters, no conflicts (2 of 4 stars). 2 submissions from 2 submitters: Benign (2). Last evaluated 2018-01-12.

Conditions:
Disorders of Intracellular Cobalamin Metabolism. Identifiers: MedGen CN043592.

Allele frequency attached by ClinVar (database versions not stated): 1000 Genomes Project 30x 0.23969; 1000 Genomes Project 0.24601; TOPMed 0.27425; gnomAD 0.28356 and 0.28410; gnomAD exomes 0.39394.
gnomAD v4.1: 43,014 of 151,390 alleles (28%); highest among the groups gnomAD compares: Non-Finnish European, 36%; 6,957 homozygotes.

Submissions (2):

Illumina Laboratory Services, Illumina
Classification: Benign for Disorders of Intracellular Cobalamin Metabolism. Last evaluated: 2018-01-12. Review status: criteria provided, single submitter. Criteria: ICSL Variant Classification Criteria 13 December 2019. Collection method: clinical testing. Allele origin: germline.
Comment: This variant was observed in the ICSL laboratory as part of a predisposition screen in an ostensibly healthy population. It had not been previously curated by ICSL or reported in the Human Gene Mutation Database (HGMD: prior to June 1st, 2018), and was therefore a candidate for classification through an automated scoring system. Utilizing variant allele frequency, disease prevalence and penetrance estimates, and inheritance mode, an automated score was calculated to assess if this variant is too frequent to cause the disease. Based on the score and internal cut-off values, a variant classified as benign is not then subjected to further curation. The score for this variant resulted in a classification of benign for this disease.

Breakthrough Genomics
Classification: Benign. Review status: criteria provided, single submitter. Criteria: ACMG Guidelines, 2015. Collection method: not provided. Allele origin: germline. Inheritance: Autosomal recessive inheritance. Affected: yes.

NM_000254.3(MTR):c.*905G>A

Gene: MTR (5-methyltetrahydrofolate-homocysteine methyltransferase; plus strand). Cytogenetic location: 1q43.
Variant type: single nucleotide variant.
Coding change: c.*905G>A on transcript NM_000254.3 (MANE Select); 905 bases downstream of the stop codon, G replaced by A.
Molecular consequence: 3 prime UTR variant.
Genome position (GRCh38, 1-based): chr1:236,898,549, G>A. VCF-style: chr1-236898549-G-A. GRCh37 (hg19) VCF-style: chr1-237061849-G-A.
Other names: c.*905G>A (NM_001291939.1, NM_001291940.2).
Identifiers: ClinVar variation 296598 (VCV000296598.6), dbSNP rs1131450, ClinGen allele CA10610502.